The following is an entry in ClinVar:

NM_021615.5(CHST6):c.*4305T>C

Gene: CHST6 (carbohydrate sulfotransferase 6; minus strand). Cytogenetic location: 16q23.1.
Variant type: single nucleotide variant.
Coding change: c.*4305T>C on transcript NM_021615.5 (MANE Select); 4305 bases downstream of the stop codon, T replaced by C.
Molecular consequence: 3 prime UTR variant.
Genome position (GRCh38, 1-based): chr16:75,474,336, A>G on the plus strand (T>C on the coding strand, the complement: CHST6 is on the minus strand). VCF-style: chr16-75474336-A-G. GRCh37 (hg19) VCF-style: chr16-75508234-A-G.
Identifiers: ClinVar variation 320520 (VCV000320520.5), dbSNP rs11641249, ClinGen allele CA10644249.

ClinVar aggregate classification (germline): Benign (1 of 4 stars; one submission).

Conditions:
Macular corneal dystrophy (MCD). Also called: GROENOUW TYPE II CORNEAL DYSTROPHY; Macular corneal dystrophy Type I. Identifiers: Orphanet 98969, MedGen C1636149, MONDO:0009020, OMIM 217800.

Allele frequency attached by ClinVar (database versions not stated): 1000 Genomes Project 30x 0.51343; 1000 Genomes Project 0.51438; gnomAD 0.51737 and 0.52187; TOPMed 0.51990; gnomAD exomes 0.56290.
gnomAD v4.1: 192,000 of 352,332 alleles (54%); highest among the groups gnomAD compares: Admixed American, 65%; 53,241 homozygotes.

Submission:

Illumina Laboratory Services, Illumina
Classification: Benign for Macular corneal dystrophy. Last evaluated: 2018-01-12. Review status: criteria provided, single submitter. Criteria: ICSL Variant Classification Criteria 13 December 2019. Collection method: clinical testing. Allele origin: germline.
Comment: This variant was observed in the ICSL laboratory as part of a predisposition screen in an ostensibly healthy population. It had not been previously curated by ICSL or reported in the Human Gene Mutation Database (HGMD: prior to June 1st, 2018), and was therefore a candidate for classification through an automated scoring system. Utilizing variant allele frequency, disease prevalence and penetrance estimates, and inheritance mode, an automated score was calculated to assess if this variant is too frequent to cause the disease. Based on the score and internal cut-off values, a variant classified as benign is not then subjected to further curation. The score for this variant resulted in a classification of benign for this disease.